The following is an entry in ClinVar:

ClinVar aggregate classification (germline): Uncertain significance (1 of 4 stars; one submission).

Allele frequency attached by ClinVar (database versions not stated): gnomAD exomes 0.00001.
gnomAD v4.1: 11 of 1,601,088 alleles (0.00069%); highest among the groups gnomAD compares: Non-Finnish European, 0.00094%; no homozygotes.

Submission:

Labcorp Genetics (formerly Invitae), Labcorp
Classification: Uncertain significance. Last evaluated: 2019-12-01. Review status: criteria provided, single submitter. Criteria: Invitae Variant Classification Sherloc (09022015). Collection method: clinical testing. Allele origin: germline.
Comment: This sequence change replaces phenylalanine with isoleucine at codon 41 of the ADGRV1 protein (p.Phe41Ile). The phenylalanine residue is highly conserved and there is a small physicochemical difference between phenylalanine and isoleucine. This variant is not present in population databases (ExAC no frequency). This variant has not been reported in the literature in individuals with ADGRV1-related conditions. Algorithms developed to predict the effect of missense changes on protein structure and function are either unavailable or do not agree on the potential impact of this missense change (SIFT: "Deleterious"; PolyPhen-2: "Benign"; Align-GVGD: "Class C0"). In summary, the available evidence is currently insufficient to determine the role of this variant in disease. Therefore, it has been classified as a Variant of Uncertain Significance.

NM_032119.4(ADGRV1):c.121T>A (p.Phe41Ile)

Gene: ADGRV1 (adhesion G protein-coupled receptor V1; plus strand). Cytogenetic location: 5q14.3.
Variant type: single nucleotide variant.
Coding change: c.121T>A on transcript NM_032119.4 (MANE Select); coding-DNA position 121, T replaced by A.
Protein change: p.Phe41Ile; replaces phenylalanine 41 with isoleucine.
Molecular consequence: missense variant. On other transcripts: non-coding transcript variant (1).
Genome position (GRCh38, 1-based): chr5:90,614,933, T>A. VCF-style: chr5-90614933-T-A. GRCh37 (hg19) VCF-style: chr5-89910750-T-A.
Other names: short protein forms F41I.
Identifiers: ClinVar variation 853661 (VCV000853661.9), dbSNP rs1763175583, ClinGen allele CA360382556.